The following is an entry in ClinVar:

NM_000179.3(MSH6):c.730C>G (p.Gln244Glu)

Gene: MSH6 (mutS homolog 6; plus strand). Cytogenetic location: 2p16.3.
Variant type: single nucleotide variant.
Coding change: c.730C>G on transcript NM_000179.3 (MANE Select); coding-DNA position 730, C replaced by G.
Protein change: p.Gln244Glu; replaces glutamine 244 with glutamic acid.
Molecular consequence: missense variant. On other transcripts: 5 prime UTR variant (9), non-coding transcript variant (4), intron variant (1).
Genome position (GRCh38, 1-based): chr2:47,798,713, C>G. VCF-style: chr2-47798713-C-G. GRCh37 (hg19) VCF-style: chr2-48025852-C-G.
Other names: c.340C>G, p.Gln114Glu (NM_001281492.2); c.-177C>G (NM_001281493.2, NM_001281494.2, NM_001406811.1 and 6 more transcripts); c.826C>G, p.Gln276Glu (NM_001406795.1, NM_001406802.1); c.730C>G, p.Gln244Glu (NM_001406796.1, NM_001406798.1, NM_001406800.1 and 4 more transcripts); c.433C>G, p.Gln145Glu (NM_001406797.1, NM_001406801.1, NM_001406805.1 and 10 more transcripts); c.205C>G, p.Gln69Glu (NM_001406799.1, NM_001406806.1, NM_001406807.1); c.652C>G, p.Gln218Glu (NM_001406804.1); c.736C>G, p.Gln246Glu (NM_001406813.1); and 2 more; short protein forms Q114E, Q145E, Q188E, Q218E, Q244E, Q246E, Q276E, Q69E.
Identifiers: ClinVar variation 4797875 (VCV004797875.1).

ClinVar aggregate classification (germline): Uncertain significance (1 of 4 stars; one submission).

Conditions:
Hereditary nonpolyposis colorectal neoplasms. Identifiers: MedGen C0009405, MeSH D003123.

Submission:

Labcorp Genetics (formerly Invitae), Labcorp
Classification: Uncertain significance for Hereditary nonpolyposis colorectal neoplasms. Last evaluated: 2025-10-31. Review status: criteria provided, single submitter. Criteria: Invitae Variant Classification Sherloc (09022015). Collection method: clinical testing. Allele origin: germline.
Comment: This sequence change replaces glutamine, which is neutral and polar, with glutamic acid, which is acidic and polar, at codon 244 of the MSH6 protein (p.Gln244Glu). This variant is not present in population databases (gnomAD no frequency). This variant has not been reported in the literature in individuals affected with MSH6-related conditions. Invitae Evidence Modeling of protein sequence and biophysical properties (such as structural, functional, and spatial information, amino acid conservation, physicochemical variation, residue mobility, and thermodynamic stability) indicates that this missense variant is not expected to disrupt MSH6 protein function with a negative predictive value of 95%. In summary, the available evidence is currently insufficient to determine the role of this variant in disease. Therefore, it has been classified as a Variant of Uncertain Significance.